The following is an entry in ClinVar:

ClinVar aggregate classification (germline): Uncertain significance (1 of 4 stars; one submission).

Conditions:
Catecholaminergic polymorphic ventricular tachycardia 1. Also called: RYR2-Related Catecholaminergic Polymorphic Ventricular Tachycardia; VENTRICULAR TACHYCARDIA, STRESS-INDUCED POLYMORPHIC 1; VENTRICULAR TACHYCARDIA, CATECHOLAMINERGIC POLYMORPHIC, 1, WITH OR WITHOUT ATRIAL DYSFUNCTION AND/OR DILATED CARDIOMYOPATHY. Identifiers: Orphanet 3286, MedGen C1631597, MONDO:0011484, OMIM 604772.

Submission:

Labcorp Genetics (formerly Invitae), Labcorp
Classification: Uncertain significance for Catecholaminergic polymorphic ventricular tachycardia 1. Last evaluated: 2022-02-11. Review status: criteria provided, single submitter. Criteria: Invitae Variant Classification Sherloc (09022015). Collection method: clinical testing. Allele origin: germline.
Comment: In summary, the available evidence is currently insufficient to determine the role of this variant in disease. Therefore, it has been classified as a Variant of Uncertain Significance. Algorithms developed to predict the effect of missense changes on protein structure and function (SIFT, PolyPhen-2, Align-GVGD) all suggest that this variant is likely to be tolerated. This variant has not been reported in the literature in individuals affected with CASQ2-related conditions. This variant is not present in population databases (gnomAD no frequency). This sequence change replaces lysine, which is basic and polar, with glutamine, which is neutral and polar, at codon 180 of the CASQ2 protein (p.Lys180Gln).

NM_001232.4(CASQ2):c.538A>C (p.Lys180Gln)

Gene: CASQ2 (calsequestrin 2; minus strand). Cytogenetic location: 1p13.1.
Variant type: single nucleotide variant.
Coding change: c.538A>C on transcript NM_001232.4 (MANE Select); coding-DNA position 538, A replaced by C.
Protein change: p.Lys180Gln; replaces lysine 180 with glutamine.
Molecular consequence: missense variant.
Genome position (GRCh38, 1-based): chr1:115,732,969, T>G on the plus strand (A>C on the coding strand, the complement: CASQ2 is on the minus strand). VCF-style: chr1-115732969-T-G. GRCh37 (hg19) VCF-style: chr1-116275590-T-G.
Other names: short protein forms K180Q.
Identifiers: ClinVar variation 2096467 (VCV002096467.4), dbSNP rs2464907767, ClinGen allele CA341769080.